The following is an entry in ClinVar:

ClinVar aggregate classification (germline): Uncertain significance (1 of 4 stars; one submission).

Conditions:
SH2B1-related disorder. Also called: SH2B1-related condition.

Submission:

PreventionGenetics, part of Exact Sciences
Classification: Uncertain significance for SH2B1-related condition. Last evaluated: 2024-10-11. Review status: criteria provided, single submitter. Criteria: ACMG Guidelines, 2015. Collection method: clinical testing. Allele origin: germline.
Comment: The SH2B1 c.1933G>A variant is predicted to result in the amino acid substitution p.Glu645Lys. To our knowledge, this variant has not been reported in the literature. This variant is reported in 0.023% of alleles in individuals of East Asian descent in gnomAD. At this time, the clinical significance of this variant is uncertain due to the absence of conclusive functional and genetic evidence.

NM_001387430.1(SH2B1):c.1898-242G>A

Gene: SH2B1 (SH2B adaptor protein 1; plus strand). Cytogenetic location: 16p11.2.
Variant type: single nucleotide variant.
Coding change: c.1898-242G>A on transcript NM_001387430.1 (MANE Select); 242 bases into the intron before coding-DNA position 1898, G replaced by A.
Molecular consequence: intron variant. On other transcripts: missense variant (4), synonymous variant (1).
Genome position (GRCh38, 1-based): chr16:28,873,205, G>A. VCF-style: chr16-28873205-G-A. GRCh37 (hg19) VCF-style: chr16-28884526-G-A.
Other names: c.1933G>A, p.Glu645Lys (NM_001145796.2, NM_001145812.2, NM_015503.3); c.1986G>A, p.Ala662= (NM_001145797.2); c.925G>A, p.Glu309Lys (NM_001308294.2); c.1898-242G>A (NM_001308293.2, NM_001387404.1, NM_001145795.2); short protein forms E309K, E645K.
Identifiers: ClinVar variation 4988945 (VCV004988945.1).